The following is an entry in ClinVar:

ClinVar aggregate classification (germline): Conflicting classifications of pathogenicity. Review status: criteria provided, conflicting classifications (1 of 4 stars). 2 submissions from 2 submitters: Uncertain significance (1); Likely benign (1). Last evaluated 2024-04-29.

Conditions:
Familial thoracic aortic aneurysm and aortic dissection (TAAD). Also called: Thoracic aortic aneurysms and dissections. Identifiers: Orphanet 91387, MedGen C4707243, MONDO:0019625.

Allele frequency attached by ClinVar (database versions not stated): gnomAD exomes below 0.00001; TOPMed below 0.00001; gnomAD 0.00001.
gnomAD v4.1: 2 of 1,585,512 alleles (0.00013%); highest among the groups gnomAD compares: Non-Finnish European, 0.00017%; no homozygotes.

Submissions (2):

Ambry Genetics
Classification: Likely benign for Familial thoracic aortic aneurysm and aortic dissection. Last evaluated: 2024-04-29. Review status: criteria provided, single submitter. Criteria: Ambry Variant Classification Scheme 2023. Collection method: clinical testing. Allele origin: germline.

GeneDx
Classification: Uncertain significance. Last evaluated: 2022-05-13. Review status: criteria provided, single submitter. Criteria: GeneDx Variant Classification Process June 2021. Collection method: clinical testing. Allele origin: germline. Affected: yes.
Comment: Not observed at significant frequency in large population cohorts (gnomAD); In silico analysis supports that this missense variant does not alter protein structure/function; Has not been previously published as pathogenic or benign to our knowledge

NM_017617.5(NOTCH1):c.182A>G (p.Asn61Ser)

Gene: NOTCH1 (notch receptor 1; minus strand). Cytogenetic location: 9q34.3.
Variant type: single nucleotide variant.
Coding change: c.182A>G on transcript NM_017617.5 (MANE Select); coding-DNA position 182, A replaced by G.
Protein change: p.Asn61Ser; replaces asparagine 61 with serine.
Molecular consequence: missense variant.
Genome position (GRCh38, 1-based): chr9:136,523,938, T>C on the plus strand (A>G on the coding strand, the complement: NOTCH1 is on the minus strand). VCF-style: chr9-136523938-T-C. GRCh37 (hg19) VCF-style: chr9-139418390-T-C.
Other names: short protein forms N61S.
Identifiers: ClinVar variation 1723800 (VCV001723800.4), dbSNP rs1554730749, ClinGen allele CA375573144.